The following is an entry in ClinVar:

NM_001035.3(RYR2):c.5423A>G (p.Asp1808Gly)

Gene: RYR2 (ryanodine receptor 2; plus strand). Cytogenetic location: 1q43.
Variant type: single nucleotide variant.
Coding change: c.5423A>G on transcript NM_001035.3 (MANE Select); coding-DNA position 5423, A replaced by G.
Protein change: p.Asp1808Gly; replaces aspartic acid 1808 with glycine.
Molecular consequence: missense variant.
Genome position (GRCh38, 1-based): chr1:237,614,551, A>G. VCF-style: chr1-237614551-A-G. GRCh37 (hg19) VCF-style: chr1-237777851-A-G.
Other names: short protein forms D1808G.
Identifiers: ClinVar variation 3633798 (VCV003633798.2).
Genomic context (GRCh38, chr1:237,614,551, plus strand): 5'-AGTCCAAAACCATACAGATGCTGACAGAAGCTGTTAAAGAGGGCAGTCTTCATGCCCGGG[A>G]CCCAGTTGGAGGGACTACTGAATTCCTCTTTGTACCTCTCATCAAGCTTTTCTATACCCT-3'
Protein context (NP_001026.2, residues 1798-1818): AVKEGSLHAR[Asp1808Gly]PVGGTTEFLF

ClinVar aggregate classification (germline): Uncertain significance (1 of 4 stars; one submission).

Conditions:
Catecholaminergic polymorphic ventricular tachycardia 1. Also called: VENTRICULAR TACHYCARDIA, CATECHOLAMINERGIC POLYMORPHIC, 1, WITH OR WITHOUT ATRIAL DYSFUNCTION AND/OR DILATED CARDIOMYOPATHY; RYR2-Related Catecholaminergic Polymorphic Ventricular Tachycardia; VENTRICULAR TACHYCARDIA, STRESS-INDUCED POLYMORPHIC 1. Identifiers: Orphanet 3286, MedGen C1631597, MONDO:0011484, OMIM 604772.

Submission:

Labcorp Genetics (formerly Invitae), Labcorp
Classification: Uncertain significance for Catecholaminergic polymorphic ventricular tachycardia 1. Last evaluated: 2024-09-04. Review status: criteria provided, single submitter. Criteria: Invitae Variant Classification Sherloc (09022015). Collection method: clinical testing. Allele origin: germline.
Comment: This sequence change replaces aspartic acid, which is acidic and polar, with glycine, which is neutral and non-polar, at codon 1808 of the RYR2 protein (p.Asp1808Gly). This variant is not present in population databases (gnomAD no frequency). This variant has not been reported in the literature in individuals affected with RYR2-related conditions. Invitae Evidence Modeling of protein sequence and biophysical properties (such as structural, functional, and spatial information, amino acid conservation, physicochemical variation, residue mobility, and thermodynamic stability) has been performed for this missense variant. However, the output from this modeling did not meet the statistical confidence thresholds required to predict the impact of this variant on RYR2 protein function. In summary, the available evidence is currently insufficient to determine the role of this variant in disease. Therefore, it has been classified as a Variant of Uncertain Significance.